The following is an entry in ClinVar:

ClinVar aggregate classification (germline): Conflicting classifications of pathogenicity. Review status: criteria provided, conflicting classifications (1 of 4 stars). 6 submissions from 6 submitters: Uncertain significance (1); Likely benign (4). 1 of the submissions does not count toward it. Last evaluated 2025-11-18.

Conditions:
MYLK-related disorder. Also called: MYLK-related condition.
Familial thoracic aortic aneurysm and aortic dissection (TAAD). Also called: Thoracic aortic aneurysms and dissections. Identifiers: Orphanet 91387, MedGen C4707243, MONDO:0019625.
Aortic aneurysm, familial thoracic 7 (AAT7). Also called: AORTIC DISSECTION, FAMILIAL, WITH OR WITHOUT AORTIC ANEURYSM. Identifiers: MedGen C3151077, MONDO:0013418, OMIM 613780.

Allele frequency attached by ClinVar (database versions not stated): gnomAD 0.00008; gnomAD exomes 0.00011 and 0.00012; ExAC 0.00012; TOPMed 0.00014.
gnomAD v4.1: 183 of 1,614,092 alleles (0.011%); highest among the groups gnomAD compares: Admixed American, 0.03%; no homozygotes.

Submissions (6):

Labcorp Genetics (formerly Invitae), Labcorp
Classification: Likely benign for Aortic aneurysm, familial thoracic 7. Last evaluated: 2025-11-18. Review status: criteria provided, single submitter. Criteria: Invitae Variant Classification Sherloc (09022015). Collection method: clinical testing. Allele origin: germline.

Mayo Clinic Laboratories, Mayo Clinic
Classification: Likely benign. Last evaluated: 2025-09-02. Review status: criteria provided, single submitter. Criteria: ACMG Guidelines, 2015. Collection method: clinical testing. Allele origin: germline. Observed: 1 variant allele.
Comment: BP4, BP7

Ambry Genetics
Classification: Likely benign for Familial thoracic aortic aneurysm and aortic dissection. Last evaluated: 2022-03-04. Review status: criteria provided, single submitter. Criteria: Ambry Variant Classification Scheme 2023. Collection method: clinical testing. Allele origin: germline.

GeneDx
Classification: Likely benign. Last evaluated: 2019-08-01. Review status: criteria provided, single submitter. Criteria: GeneDx Variant Classification Process June 2021. Collection method: clinical testing. Allele origin: germline. Affected: yes.

Illumina Laboratory Services, Illumina
Classification: Uncertain significance for Aortic aneurysm, familial thoracic 7. Last evaluated: 2018-01-12. Review status: criteria provided, single submitter. Criteria: ICSL Variant Classification Criteria 13 December 2019. Collection method: clinical testing. Allele origin: germline.

PreventionGenetics, part of Exact Sciences
Classification: Likely benign for MYLK-related condition. Last evaluated: 2019-04-04. Review status: no assertion criteria provided. Collection method: clinical testing. Allele origin: germline. Not counted in ClinVar's aggregate classification.
Comment: This variant is classified as likely benign based on ACMG/AMP sequence variant interpretation guidelines (Richards et al. 2015 PMID: 25741868, with internal and published modifications).

NM_053025.4(MYLK):c.1212C>A (p.Pro404=)

Gene: MYLK (myosin light chain kinase; minus strand). Cytogenetic location: 3q21.1.
Variant type: single nucleotide variant.
Coding change: c.1212C>A on transcript NM_053025.4 (MANE Select); coding-DNA position 1212, C replaced by A.
Protein change: p.Pro404=; no amino-acid change (proline 404 retained).
Molecular consequence: synonymous variant.
Genome position (GRCh38, 1-based): chr3:123,733,784, G>T on the plus strand (C>A on the coding strand, the complement: MYLK is on the minus strand). VCF-style: chr3-123733784-G-T. GRCh37 (hg19) VCF-style: chr3-123452631-G-T.
Other names: p.Pro404=; c.684C>A, p.Pro228= (NM_001321309.2); c.1212C>A, p.Pro404= (NM_053026.4, NM_053027.4, NM_053028.4).
Identifiers: ClinVar variation 415763 (VCV000415763.24), dbSNP rs765597431, ClinGen allele CA066824.